The following is an entry in ClinVar:

NM_031220.4(PITPNM3):c.1576G>A (p.Glu526Lys)

Gene: PITPNM3 (PITPNM family member 3; minus strand). Cytogenetic location: 17p13.2.
Variant type: single nucleotide variant.
Coding change: c.1576G>A on transcript NM_031220.4 (MANE Select); coding-DNA position 1576, G replaced by A.
Protein change: p.Glu526Lys; replaces glutamic acid 526 with lysine.
Molecular consequence: missense variant.
Genome position (GRCh38, 1-based): chr17:6,471,209, C>T on the plus strand (G>A on the coding strand, the complement: PITPNM3 is on the minus strand). VCF-style: chr17-6471209-C-T. GRCh37 (hg19) VCF-style: chr17-6374529-C-T.
Other names: c.1468G>A, p.Glu490Lys (NM_001165966.2); short protein forms E490K, E526K.
Identifiers: ClinVar variation 3693328 (VCV003693328.2).
Genomic context (GRCh38, chr17:6,471,209, plus strand): 5'-GACCTCACTCACTGCGGGAGGCACCCACGGGTGCCATGCTGTCCGAGGACTCCGAGCTCT[C>T]GCTGTGGGAGCTCCCCTCGCTCATCCTCCGTCCTGGGCGCTGGAACCTCGAGGCCTGAGG-3'
Protein context (NP_112497.2, residues 516-536): RRMSEGSSHS[Glu526Lys]SSESSDSMAP

ClinVar aggregate classification (germline): Uncertain significance (1 of 4 stars; one submission).

gnomAD v4.1: 23 of 1,613,318 alleles (0.0014%); highest among the groups gnomAD compares: African/African-American, 0.0027%; no homozygotes.

Submission:

Labcorp Genetics (formerly Invitae), Labcorp
Classification: Uncertain significance. Last evaluated: 2025-12-24. Review status: criteria provided, single submitter. Criteria: Invitae Variant Classification Sherloc (09022015). Collection method: clinical testing. Allele origin: germline.
Comment: This sequence change replaces glutamic acid, which is acidic and polar, with lysine, which is basic and polar, at codon 526 of the PITPNM3 protein (p.Glu526Lys). This variant is present in population databases (no rsID available, gnomAD 0.0009%). This variant has not been reported in the literature in individuals affected with PITPNM3-related conditions. ClinVar contains an entry for this variant (Variation ID: 3693328). An algorithm developed to predict the effect of missense changes on protein structure and function (PolyPhen-2) suggests that this variant is likely to be tolerated. In summary, the available evidence is currently insufficient to determine the role of this variant in disease. Therefore, it has been classified as a Variant of Uncertain Significance.